The following is an entry in ClinVar:

NM_001164508.2(NEB):c.3987+2T>G

Gene: NEB (nebulin; minus strand). Cytogenetic location: 2q23.3.
Variant type: single nucleotide variant.
Coding change: c.3987+2T>G on transcript NM_001164508.2 (MANE Select); the canonical splice donor site of the intron after coding-DNA position 3987, T replaced by G.
Molecular consequence: splice donor variant.
Genome position (GRCh38, 1-based): chr2:151,674,475, A>C on the plus strand (T>G on the coding strand, the complement: NEB is on the minus strand). VCF-style: chr2-151674475-A-C. GRCh37 (hg19) VCF-style: chr2-152530989-A-C.
Other names: NM_001164508.2:c.3987+2T>G; c.3987+2T>G (NM_004543.5, NM_001164507.2, NM_001271208.2).
Identifiers: ClinVar variation 3776987 (VCV003776987.1).

ClinVar aggregate classification (germline): Pathogenic (1 of 4 stars; one submission).

Conditions:
Nemaline myopathy. Also called: Myopathies, Nemaline. Identifiers: Orphanet 607, MedGen C0206157, MONDO:0018958.

gnomAD v4.1: 58 of 1,611,898 alleles (0.0036%); highest among the groups gnomAD compares: Non-Finnish European, 0.0044%; no homozygotes.

Submission:

Broad Center for Mendelian Genomics, Broad Institute of MIT and Harvard
Classification: Pathogenic for Nemaline myopathy. Last evaluated: 2025-03-18. Review status: criteria provided, single submitter. Criteria: ACMG Guidelines, 2015. Collection method: curation. Allele origin: germline. Inheritance: Autosomal recessive inheritance.
Comment: The c.3987+2T>G variant in NEB has not been previously reported in the literature in individuals with nemaline myopathy, but has been identified in 0.004% (52/1178052) of European (non-Finnish) chromosomes by the Genome Aggregation Database (gnomAD; dbSNP ID: rs780022652). Although this variant has been seen in the general population in a heterozygous state, its frequency is low enough to be consistent with a recessive carrier frequency. This variant is located in the 5' splice region. SpliceAI predictions indicate use of an out-of-frame cryptic splice site 17 bases from the intron-exon boundary, providing evidence that this variant may cause a frameshift and lead to a premature termination codon downstream. This alteration is then predicted to lead to a truncated or absent protein. However, this information is not predictive enough to determine pathogenicity. One additional pathogenic variant, predicted to induce the same splicing effect as this variant, has been reported in ClinVar as being associated with nemaline myopathy, supporting that the c.3987+1G>T variant may be pathogenic (Variation ID: 371210). In summary, this variant meets criteria to be classified as pathogenic for autosomal recessive nemaline myopathy. ACMG/AMP Criteria applied: PVS1, PM2_Supporting, PS1_supporting (Richards 2015).